The following is an entry in ClinVar:

ClinVar aggregate classification (germline): Uncertain significance (1 of 4 stars; one submission).

Submission:

Labcorp Genetics (formerly Invitae), Labcorp
Classification: Uncertain significance. Last evaluated: 2024-10-28. Review status: criteria provided, single submitter. Criteria: Invitae Variant Classification Sherloc (09022015). Collection method: clinical testing. Allele origin: germline.
Comment: This sequence change replaces proline, which is neutral and non-polar, with alanine, which is neutral and non-polar, at codon 846 of the ALPK1 protein (p.Pro846Ala). This variant is not present in population databases (gnomAD no frequency). This variant has not been reported in the literature in individuals affected with ALPK1-related conditions. Invitae Evidence Modeling of protein sequence and biophysical properties (such as structural, functional, and spatial information, amino acid conservation, physicochemical variation, residue mobility, and thermodynamic stability) indicates that this missense variant is not expected to disrupt ALPK1 protein function with a negative predictive value of 80%. In summary, the available evidence is currently insufficient to determine the role of this variant in disease. Therefore, it has been classified as a Variant of Uncertain Significance.

NM_025144.4(ALPK1):c.2536C>G (p.Pro846Ala)

Gene: ALPK1 (alpha kinase 1; plus strand). Cytogenetic location: 4q25.
Variant type: single nucleotide variant.
Coding change: c.2536C>G on transcript NM_025144.4 (MANE Select); coding-DNA position 2536, C replaced by G.
Protein change: p.Pro846Ala; replaces proline 846 with alanine.
Molecular consequence: missense variant.
Genome position (GRCh38, 1-based): chr4:112,432,083, C>G. VCF-style: chr4-112432083-C-G. GRCh37 (hg19) VCF-style: chr4-113353239-C-G.
Other names: c.2536C>G, p.Pro846Ala (NM_001102406.2); c.2302C>G, p.Pro768Ala (NM_001253884.2); short protein forms P768A, P846A.
Identifiers: ClinVar variation 3616105 (VCV003616105.2).
Genomic context (GRCh38, chr4:112,432,083, plus strand): 5'-CCTGTTCAAAATCCTGACTCCAGAAAAAGTGGTGGCCCAGTCGCAGAGCAGGGCATCGAC[C>G]CTGATGCCTCCACAGTGGATGAGGAGGGGCAACTGCTCGACAGCATGGATGTTCCCTGCA-3'
Protein context (NP_079420.3, residues 836-856): GGPVAEQGID[Pro846Ala]DASTVDEEGQ